The following is an entry in ClinVar:

ClinVar aggregate classification (germline): Uncertain significance. Review status: criteria provided, multiple submitters, no conflicts (2 of 4 stars). 3 submissions from 3 submitters: Uncertain significance (3). Last evaluated 2023-05-01.

Conditions:
Familial adenomatous polyposis 4 (FAP4). Also called: MSH3-related attenuated familial adenomatous polyposis. Identifiers: Orphanet 480536, MedGen C4310719, MONDO:0044300, OMIM 617100.
Hereditary cancer-predisposing syndrome. Also called: Neoplastic Syndromes, Hereditary; Tumor predisposition; Hereditary Cancer Syndrome; Hereditary neoplastic syndrome. Identifiers: Orphanet 140162, MedGen C0027672, MeSH D009386, MONDO:0015356.

Submissions (3):

Labcorp Genetics (formerly Invitae), Labcorp
Classification: Uncertain significance. Last evaluated: 2023-05-01. Review status: criteria provided, single submitter. Criteria: Invitae Variant Classification Sherloc (09022015). Collection method: clinical testing. Allele origin: germline.
Comment: This sequence change replaces aspartic acid, which is acidic and polar, with valine, which is neutral and non-polar, at codon 357 of the MSH3 protein (p.Asp357Val). This variant is not present in population databases (gnomAD no frequency). This variant has not been reported in the literature in individuals affected with MSH3-related conditions. ClinVar contains an entry for this variant (Variation ID: 1710938). An algorithm developed to predict the effect of missense changes on protein structure and function (PolyPhen-2) suggests that this variant is likely to be disruptive. In summary, the available evidence is currently insufficient to determine the role of this variant in disease. Therefore, it has been classified as a Variant of Uncertain Significance.

St. Jude Molecular Pathology, St. Jude Children's Research Hospital
Classification: Uncertain significance for Familial adenomatous polyposis 4. Last evaluated: 2022-08-31. Review status: criteria provided, single submitter. Criteria: St. Jude Assertion Criteria 2020. Collection method: clinical testing. Allele origin: germline.
Comment: The MSH3 c.1070A>T (p.Asp357Val) missense change is absent in gnomAD v2.1.1. The in silico tool REVEL is inconclusive about a pathogenic or benign effect of this variant on protein function, and to our knowledge functional studies have not been performed. To our knowledge, this variant has not been reported in individuals with MSH3-associated polyposis syndrome. In summary, the evidence currently available is insufficient to determine the clinical significance of this variant. It has therefore been classified as of uncertain significance.

Ambry Genetics
Classification: Uncertain significance for Hereditary cancer-predisposing syndrome. Last evaluated: 2020-10-09. Review status: criteria provided, single submitter. Criteria: Ambry Variant Classification Scheme 2023. Collection method: clinical testing. Allele origin: germline.
Comment: The p.D357V variant (also known as c.1070A>T), located in coding exon 7 of the MSH3 gene, results from an A to T substitution at nucleotide position 1070. The aspartic acid at codon 357 is replaced by valine, an amino acid with highly dissimilar properties. This amino acid position is not well conserved in available vertebrate species. In addition, the in silico prediction for this alteration is inconclusive. Since supporting evidence is limited at this time, the clinical significance of this alteration remains unclear.

NM_002439.5(MSH3):c.1070A>T (p.Asp357Val)

Gene: MSH3 (mutS homolog 3; plus strand). Cytogenetic location: 5q14.1.
Variant type: single nucleotide variant.
Coding change: c.1070A>T on transcript NM_002439.5 (MANE Select); coding-DNA position 1070, A replaced by T.
Protein change: p.Asp357Val; replaces aspartic acid 357 with valine.
Molecular consequence: missense variant.
Genome position (GRCh38, 1-based): chr5:80,675,025, A>T. VCF-style: chr5-80675025-A-T. GRCh37 (hg19) VCF-style: chr5-79970844-A-T.
Other names: short protein forms D357V.
Identifiers: ClinVar variation 1710938 (VCV001710938.8), dbSNP rs2546724265, ClinGen allele CA360267977.
Genomic context (GRCh38, chr5:80,675,025, plus strand): 5'-TTCTTTAATTATTATTAAATGTGAATCCCCTAATCAAGCTGGATGATGCTGTAAATGTTG[A>T]TGAGATAATGACTGATACTTCTACCAGCTATCTTCTGTGCATCTCTGAAAATAAGGAAAA-3'
Protein context (NP_002430.3, residues 347-367): LIKLDDAVNV[Asp357Val]EIMTDTSTSY